The following is an entry in ClinVar:

NM_014974.3(DIP2C):c.1872C>A (p.Asn624Lys)

Gene: DIP2C (DIP2 acetate--CoA ligase C (putative); minus strand). Cytogenetic location: 10p15.3.
Variant type: single nucleotide variant.
Coding change: c.1872C>A on transcript NM_014974.3 (MANE Select); coding-DNA position 1872, C replaced by A.
Protein change: p.Asn624Lys; replaces asparagine 624 with lysine.
Molecular consequence: missense variant.
Genome position (GRCh38, 1-based): chr10:384,031, G>T on the plus strand (C>A on the coding strand, the complement: DIP2C is on the minus strand). VCF-style: chr10-384031-G-T. GRCh37 (hg19) VCF-style: chr10-429971-G-T.
Other names: short protein forms N624K.
Identifiers: ClinVar variation 4795627 (VCV004795627.1).

ClinVar aggregate classification (germline): Uncertain significance (1 of 4 stars; one submission).

Submission:

GeneDx
Classification: Uncertain significance. Last evaluated: 2025-08-12. Review status: criteria provided, single submitter. Criteria: GeneDx Variant Classification Process June 2021. Collection method: clinical testing. Allele origin: germline. Affected: yes.
Comment: Not observed at significant frequency in large population cohorts (gnomAD); In silico analysis supports that this missense variant has a deleterious effect on protein structure/function; Has not been previously published as pathogenic or benign to our knowledge